The following is an entry in ClinVar:

ClinVar aggregate classification (germline): Uncertain significance. Review status: criteria provided, multiple submitters, no conflicts (2 of 4 stars). 2 submissions from 2 submitters: Uncertain significance (2). Last evaluated 2024-12-28.

Conditions:
Inborn genetic diseases. Identifiers: MedGen C0950123, MeSH D030342.
Bardet-Biedl syndrome (BBS). Identifiers: Orphanet 110, MedGen C0752166, MONDO:0015229.

Allele frequency attached by ClinVar (database versions not stated): gnomAD exomes below 0.00001.
gnomAD v4.1: 4 of 1,614,046 alleles (0.00025%); highest among the groups gnomAD compares: Non-Finnish European, 0.00025%; no homozygotes.

Submissions (2):

Ambry Genetics
Classification: Uncertain significance for Inborn genetic diseases. Last evaluated: 2024-12-28. Review status: criteria provided, single submitter. Criteria: Ambry Variant Classification Scheme 2023. Collection method: clinical testing. Allele origin: germline.

Labcorp Genetics (formerly Invitae), Labcorp
Classification: Uncertain significance for Bardet-Biedl syndrome. Last evaluated: 2022-03-04. Review status: criteria provided, single submitter. Criteria: Invitae Variant Classification Sherloc (09022015). Collection method: clinical testing. Allele origin: germline.
Comment: This sequence change replaces aspartic acid, which is acidic and polar, with glycine, which is neutral and non-polar, at codon 197 of the TRIM32 protein (p.Asp197Gly). This variant is not present in population databases (gnomAD no frequency). This variant has not been reported in the literature in individuals affected with TRIM32-related conditions. Algorithms developed to predict the effect of missense changes on protein structure and function are either unavailable or do not agree on the potential impact of this missense change (SIFT: "Deleterious"; PolyPhen-2: "Benign"; Align-GVGD: "Class C15"). In summary, the available evidence is currently insufficient to determine the role of this variant in disease. Therefore, it has been classified as a Variant of Uncertain Significance.

NM_012210.4(TRIM32):c.590A>G (p.Asp197Gly)

Genes: ASTN2 (astrotactin 2; minus strand), TRIM32 (tripartite motif containing 32; plus strand). Cytogenetic location: 9q33.1.
Variant type: single nucleotide variant.
Coding change: c.590A>G on transcript NM_012210.4 (MANE Select); coding-DNA position 590, A replaced by G.
Protein change: p.Asp197Gly; replaces aspartic acid 197 with glycine.
Molecular consequence: missense variant. On other transcripts: intron variant (3).
Genome position (GRCh38, 1-based): chr9:116,698,332, A>G. VCF-style: chr9-116698332-A-G. GRCh37 (hg19) VCF-style: chr9-119460611-A-G.
Other names: c.590A>G, p.Asp197Gly (NM_001099679.2, NM_001379048.1, NM_001379049.1 and 1 more transcripts); c.2653+27439T>C (NM_014010.5); c.2794+27439T>C (NM_001365069.1); c.2806+27439T>C (NM_001365068.1); short protein forms D197G.
Identifiers: ClinVar variation 1939390 (VCV001939390.6), dbSNP rs1860988255, ClinGen allele CA374649081.
Genomic context (GRCh38, chr9:116,698,332, plus strand): 5'-TTCAGGCAAGGTATAAAGCAGTTCTCCAGGAGTATGGGCATGAGGAGCGCAGGGTCCAGG[A>G]TGAGCTGGCTCGCTCTCGGAAGTTCTTCACAGGCTCTTTGGCTGAAGTTGAGAAGTCCAA-3'
Protein context (NP_036342.2, residues 187-207): EYGHEERRVQ[Asp197Gly]ELARSRKFFT